The following is an entry in ClinVar:

NM_025074.7(FRAS1):c.6963_6964dup (p.Val2322fs)

Gene: FRAS1 (Fraser extracellular matrix complex subunit 1; plus strand). Cytogenetic location: 4q21.21.
Variant type: Duplication.
Coding change: c.6963_6964dup on transcript NM_025074.7 (MANE Select); coding-DNA positions 6963 to 6964, 2 bases duplicated (GG; older notation c.6963_6964dupGG).
Protein change: p.Val2322fs; shifts the reading frame from valine 2322.
Molecular consequence: frameshift variant.
Genome position (GRCh38, 1-based): chr4:78,464,517-78,464,518, GG duplicated; duplicating any 2 consecutive bases within chr4:78,464,516-78,464,518 gives the same sequence; the c. name uses the placement nearest the transcript's 3' end. VCF-style (leftmost placement, unchanged base first): chr4-78464515-C-CGG. GRCh37 (hg19) VCF-style: chr4-79385669-C-CGG.
Other names: c.6963_6964dupGG (NM_025074.7); short protein forms V2322fs.
Identifiers: ClinVar variation 2815 (VCV000002815.55), dbSNP rs730882179, ClinGen allele CA212804.

ClinVar aggregate classification (germline): Pathogenic/Likely pathogenic. Review status: criteria provided, multiple submitters, no conflicts (2 of 4 stars). 9 submissions from 9 submitters: Pathogenic (7); Likely pathogenic (1). 1 of the submissions does not count toward it. Last evaluated 2026-09-09.

Conditions:
FRAS1-related disorder. Also called: FRAS1-related condition.
Fraser syndrome 1 (FRASRS1). Also called: CRYPTOPHTHALMOS WITH OTHER MALFORMATIONS. Identifiers: Orphanet 2052, MedGen C4551480, MONDO:0054737, OMIM 219000.

Submissions (9):

GeneDx
Classification: Pathogenic. Last evaluated: 2026-09-09. Review status: criteria provided, single submitter. Criteria: GeneDx Variant Classification Process June 2021. Collection method: clinical testing. Allele origin: germline.
Comment: Frameshift variant predicted to result in protein truncation or nonsense mediated decay in a gene for which loss of function is a known mechanism of disease; This variant is associated with the following publications: (PMID: 32488952, 31999076, 16894541)

Gharavi Laboratory, Columbia University
Classification: Likely pathogenic for Fraser syndrome 1. Last evaluated: 2024-11-05. Review status: criteria provided, single submitter. Criteria: ACMG Guidelines, 2015. Collection method: case-control. Allele origin: germline. Affected: yes.
Comment: Compound heterozygote with NM_025074.7:c.2138-1G>C

ENST00000264895

Labcorp Genetics (formerly Invitae), Labcorp
Classification: Pathogenic. Last evaluated: 2024-10-25. Review status: criteria provided, single submitter. Criteria: Invitae Variant Classification Sherloc (09022015). Collection method: clinical testing. Allele origin: germline.
Comment: This sequence change creates a premature translational stop signal (p.Val2322Glyfs*6) in the FRAS1 gene. It is expected to result in an absent or disrupted protein product. Loss-of-function variants in FRAS1 are known to be pathogenic (PMID: 12766769, 18671281). This variant is present in population databases (rs730882179, gnomAD 0.004%). This premature translational stop signal has been observed in individual(s) with clinical features of FRAS1-related conditions (PMID: 16894541, 31999076). This variant is also known as 6992insGG. ClinVar contains an entry for this variant (Variation ID: 2815). For these reasons, this variant has been classified as Pathogenic.

Blueprint Genetics
Classification: Pathogenic for FRAS1-related disorders. Last evaluated: 2024-06-12. Review status: criteria provided, single submitter. Criteria: ACMG Guidelines, 2015. Collection method: clinical testing. Allele origin: germline. Affected: yes. Observed: 5 variant alleles.

CeGaT Center for Human Genetics Tuebingen
Classification: Pathogenic. Last evaluated: 2023-06-01. Review status: criteria provided, single submitter. Criteria: CeGaT Center For Human Genetics Tuebingen Variant Classification Criteria Version 2. Collection method: clinical testing. Allele origin: germline. Affected: yes. Observed: 6 variant alleles.
Comment: FRAS1: PVS1, PM2

Department of Pathology and Laboratory Medicine, Sinai Health System
Classification: Pathogenic for Fraser syndrome 1. Last evaluated: 2022-04-26. Review status: criteria provided, single submitter. Criteria: ACMG Guidelines, 2015. Collection method: research. Allele origin: germline.

Revvity Omics, Revvity
Classification: Pathogenic for Fraser syndrome 1. Last evaluated: 2021-11-19. Review status: criteria provided, single submitter. Criteria: ACMG Guidelines, 2015. Collection method: clinical testing. Allele origin: germline.

Fulgent Genetics
Classification: Pathogenic for Fraser syndrome 1. Last evaluated: 2021-09-17. Review status: criteria provided, single submitter. Criteria: ACMG Guidelines, 2015. Collection method: clinical testing. Allele origin: unknown.

OMIM
Classification: Pathogenic for FRASER SYNDROME 1. Last evaluated: 2006-09-15. Review status: no assertion criteria provided. Collection method: literature only. Allele origin: germline. Not counted in ClinVar's aggregate classification.

Literature cited by the submitters: PubMed 12766769 (cited by Labcorp Genetics (formerly Invitae), Labcorp); PubMed 18671281 (cited by Labcorp Genetics (formerly Invitae), Labcorp); PubMed 16894541 (cited by Labcorp Genetics (formerly Invitae), Labcorp and OMIM); PubMed 31999076 (cited by Labcorp Genetics (formerly Invitae), Labcorp).